The following is an entry in ClinVar:

NM_013352.4(DSE):c.2254G>A (p.Val752Met)

Gene: DSE (dermatan sulfate epimerase; plus strand). Cytogenetic location: 6q22.1.
Variant type: single nucleotide variant.
Coding change: c.2254G>A on transcript NM_013352.4 (MANE Select); coding-DNA position 2254, G replaced by A.
Protein change: p.Val752Met; replaces valine 752 with methionine.
Molecular consequence: missense variant. On other transcripts: 3 prime UTR variant (2), non-coding transcript variant (1).
Genome position (GRCh38, 1-based): chr6:116,436,722, G>A. VCF-style: chr6-116436722-G-A. GRCh37 (hg19) VCF-style: chr6-116757885-G-A.
Other names: c.2254G>A, p.Val752Met (NM_001080976.3, NM_001322937.2, NM_001322938.2); c.2311G>A, p.Val771Met (NM_001322939.2); c.1693G>A, p.Val565Met (NM_001322940.2, NM_001322941.2); c.*1119G>A (NM_001322943.2, NM_001322944.2); c.1255G>A, p.Val419Met (NM_001374520.1); c.1219G>A, p.Val407Met (NM_001374521.1); short protein forms V407M, V419M, V565M, V752M, V771M.
Identifiers: ClinVar variation 3768337 (VCV003768337.1).

ClinVar aggregate classification (germline): Uncertain significance (1 of 4 stars; one submission).

gnomAD v4.1: 1 of 1,614,188 alleles (0.000062%); highest among the groups gnomAD compares: Non-Finnish European, 0.000085%; no homozygotes.

Submission:

Women's Health and Genetics/Laboratory Corporation of America, LabCorp
Classification: Uncertain significance. Last evaluated: 2024-12-03. Review status: criteria provided, single submitter. Criteria: LabCorp Variant Classification Summary - May 2015. Collection method: clinical testing. Allele origin: germline.
Comment: Variant summary: DSE c.2254G>A (p.Val752Met) results in a conservative amino acid change in the encoded protein sequence. Three of five in-silico tools predict a damaging effect of the variant on protein function. The variant was absent in 250702 control chromosomes (gnomAD). The available data on variant occurrences in the general population are insufficient to allow any conclusion about variant significance. To our knowledge, no occurrence of c.2254G>A in individuals affected with Ehlers-Danlos syndrome, musculocontractural type 2 and no experimental evidence demonstrating its impact on protein function have been reported. No submitters have cited clinical-significance assessments for this variant to ClinVar. Based on the evidence outlined above, the variant was classified as uncertain significance.